The following is an entry in ClinVar:

NM_001378452.1(ITPR1):c.1099A>G (p.Ile367Val)

Gene: ITPR1 (inositol 1,4,5-trisphosphate receptor type 1; plus strand). Cytogenetic location: 3p26.1.
Variant type: single nucleotide variant.
Coding change: c.1099A>G on transcript NM_001378452.1 (MANE Select); coding-DNA position 1099, A replaced by G.
Protein change: p.Ile367Val; replaces isoleucine 367 with valine.
Molecular consequence: missense variant.
Genome position (GRCh38, 1-based): chr3:4,658,226, A>G. VCF-style: chr3-4658226-A-G. GRCh37 (hg19) VCF-style: chr3-4699910-A-G.
Other names: c.1099A>G, p.Ile367Val (NM_001099952.4); c.1054A>G, p.Ile352Val (NM_001168272.2, NM_002222.7); short protein forms I367V, I352V.
Identifiers: ClinVar variation 4696655 (VCV004696655.1).

ClinVar aggregate classification (germline): Uncertain significance (1 of 4 stars; one submission).

gnomAD v4.1: 5 of 1,613,400 alleles (0.00031%); highest among the groups gnomAD compares: South Asian, 0.0044%; no homozygotes.

Submission:

Labcorp Genetics (formerly Invitae), Labcorp
Classification: Uncertain significance. Last evaluated: 2025-03-07. Review status: criteria provided, single submitter. Criteria: Invitae Variant Classification Sherloc (09022015). Collection method: clinical testing. Allele origin: germline.
Comment: This sequence change replaces isoleucine, which is neutral and non-polar, with valine, which is neutral and non-polar, at codon 352 of the ITPR1 protein (p.Ile352Val). This variant is present in population databases (rs758461841, gnomAD 0.003%). This variant has not been reported in the literature in individuals affected with ITPR1-related conditions. Invitae Evidence Modeling of protein sequence and biophysical properties (such as structural, functional, and spatial information, amino acid conservation, physicochemical variation, residue mobility, and thermodynamic stability) indicates that this missense variant is not expected to disrupt ITPR1 protein function with a negative predictive value of 95%. In summary, the available evidence is currently insufficient to determine the role of this variant in disease. Therefore, it has been classified as a Variant of Uncertain Significance.